The following is an entry in ClinVar:

NM_021942.6(TRAPPC11):c.737A>G (p.Asn246Ser)

Gene: TRAPPC11 (trafficking protein particle complex subunit 11; plus strand). Cytogenetic location: 4q35.1.
Variant type: single nucleotide variant.
Coding change: c.737A>G on transcript NM_021942.6 (MANE Select); coding-DNA position 737, A replaced by G.
Protein change: p.Asn246Ser; replaces asparagine 246 with serine.
Molecular consequence: missense variant.
Genome position (GRCh38, 1-based): chr4:183,677,460, A>G. VCF-style: chr4-183677460-A-G. GRCh37 (hg19) VCF-style: chr4-184598613-A-G.
Other names: c.737A>G, p.Asn246Ser (NM_199053.3); short protein forms N246S.
Identifiers: ClinVar variation 1011508 (VCV001011508.9), dbSNP rs1414459418, ClinGen allele CA358861785.

ClinVar aggregate classification (germline): Uncertain significance (1 of 4 stars; one submission).

Conditions:
Autosomal recessive limb-girdle muscular dystrophy type R18 (LGMDR18). Also called: Limb-girdle muscular dystrophy, type 2S; Autosomal recessive limb-girdle muscular dystrophy type 2S; MUSCULAR DYSTROPHY, LIMB-GIRDLE, AUTOSOMAL RECESSIVE 18. Identifiers: Orphanet 369840, MedGen C4517996, MONDO:0014144, OMIM 615356.

Allele frequency attached by ClinVar (database versions not stated): gnomAD exomes below 0.00001.
gnomAD v4.1: 1 of 1,587,024 alleles (0.000063%); highest among the groups gnomAD compares: South Asian, 0.0011%; no homozygotes.

Submission:

Labcorp Genetics (formerly Invitae), Labcorp
Classification: Uncertain significance for Autosomal recessive limb-girdle muscular dystrophy type R18. Last evaluated: 2020-08-29. Review status: criteria provided, single submitter. Criteria: Invitae Variant Classification Sherloc (09022015). Collection method: clinical testing. Allele origin: germline.
Comment: Algorithms developed to predict the effect of missense changes on protein structure and function (SIFT, PolyPhen-2, Align-GVGD) all suggest that this variant is likely to be tolerated, but these predictions have not been confirmed by published functional studies and their clinical significance is uncertain. This variant has not been reported in the literature in individuals with TRAPPC11-related conditions. This variant is not present in population databases (ExAC no frequency). This sequence change replaces asparagine with serine at codon 246 of the TRAPPC11 protein (p.Asn246Ser). The asparagine residue is highly conserved and there is a small physicochemical difference between asparagine and serine. In summary, the available evidence is currently insufficient to determine the role of this variant in disease. Therefore, it has been classified as a Variant of Uncertain Significance.